The following is an entry in ClinVar:

ClinVar aggregate classification (germline): Benign. Review status: criteria provided, multiple submitters, no conflicts (2 of 4 stars). 2 submissions from 2 submitters: Benign (2). Last evaluated 2018-06-14.

Allele frequency attached by ClinVar (database versions not stated): 1000 Genomes Project 30x 0.27530; 1000 Genomes Project 0.27835; TOPMed 0.32091; gnomAD 0.32863 and 0.33064; gnomAD exomes 0.39566.
gnomAD v4.1: 255,571 of 669,816 alleles (38%); highest among the groups gnomAD compares: Middle Eastern, 45%; 51,723 homozygotes.

Submissions (2):

GeneDx
Classification: Benign. Last evaluated: 2018-06-14. Review status: criteria provided, single submitter. Criteria: GeneDx Variant Classification (06012015). Collection method: clinical testing. Allele origin: germline. Affected: yes.
Comment: This variant is considered likely benign or benign based on one or more of the following criteria: it is a conservative change, it occurs at a poorly conserved position in the protein, it is predicted to be benign by multiple in silico algorithms, and/or has population frequency not consistent with disease.

Breakthrough Genomics
Classification: Benign. Review status: criteria provided, single submitter. Criteria: ACMG Guidelines, 2015. Collection method: not provided. Allele origin: germline. Inheritance: Autosomal recessive inheritance. Affected: yes.

NM_001371279.1(REEP1):c.417+178C>T

Gene: REEP1 (receptor accessory protein 1; minus strand). Cytogenetic location: 2p11.2.
Variant type: single nucleotide variant.
Coding change: c.417+178C>T on transcript NM_001371279.1 (MANE Select); 178 bases into the intron after coding-DNA position 417, C replaced by T.
Molecular consequence: intron variant.
Genome position (GRCh38, 1-based): chr2:86,251,779, G>A on the plus strand (C>T on the coding strand, the complement: REEP1 is on the minus strand). VCF-style: chr2-86251779-G-A. GRCh37 (hg19) VCF-style: chr2-86478902-G-A.
Other names: c.438+178C>T (NM_001164730.2); c.336+178C>T (NM_001164731.2); c.182+12186C>T (NM_001164732.2); c.417+178C>T (NM_001371280.1, NM_022912.3).
Identifiers: ClinVar variation 669111 (VCV000669111.2), dbSNP rs10189492, ClinGen allele CA11120417.
Genomic context (GRCh38, chr2:86,251,779, plus strand): 5'-AGCTTCAGGGGCTCTGGGAACCTCTTGATATTGCAAGTATGTGGGCATGTGTGTTGGGGG[G>A]TGAGAATTTTCTGGGGCAAGATTCAGCATTTTTTTCCATCAGATTTTCAAAAGGACCCCT-3'